The following is an entry in ClinVar:

NM_020686.6(ABAT):c.275G>A (p.Arg92Gln)

Gene: ABAT (4-aminobutyrate aminotransferase; plus strand). Cytogenetic location: 16p13.2.
Variant type: single nucleotide variant.
Coding change: c.275G>A on transcript NM_020686.6 (MANE Select); coding-DNA position 275, G replaced by A.
Protein change: p.Arg92Gln; replaces arginine 92 with glutamine.
Molecular consequence: missense variant. On other transcripts: intron variant (1).
Genome position (GRCh38, 1-based): chr16:8,750,498, G>A. VCF-style: chr16-8750498-G-A. GRCh37 (hg19) VCF-style: chr16-8844355-G-A.
Other names: c.275G>A, p.Arg92Gln (NM_000663.5, NM_001127448.2, NM_001386600.1 and 11 more transcripts); c.140G>A, p.Arg47Gln (NM_001386610.1, NM_001386611.1, NM_001386612.1 and 1 more transcripts); c.71-7259G>A (NM_001386614.1); short protein forms R92Q, R47Q.
Identifiers: ClinVar variation 162036 (VCV000162036.7), dbSNP rs724159992, ClinGen allele CA175091.

ClinVar aggregate classification (germline): Pathogenic/Likely pathogenic. Review status: criteria provided, multiple submitters, no conflicts (2 of 4 stars). 4 submissions from 4 submitters: Pathogenic (2); Likely pathogenic (1). 1 of the submissions does not count toward it. Last evaluated 2024-02-07.

Conditions:
Gamma-aminobutyric acid transaminase deficiency (GABATD). Also called: GABA aminotransaminase deficiency; GABA transaminase deficiency; Gamma aminobutyrate transaminase deficiency; 4 alpha aminobutyrate transaminase deficiency. Identifiers: Orphanet 2066, MedGen C0342708, MONDO:0013166, OMIM 613163.

Allele frequency attached by ClinVar (database versions not stated): gnomAD exomes below 0.00001; TOPMed below 0.00001; gnomAD 0.00001.
gnomAD v4.1: 6 of 1,614,020 alleles (0.00037%); highest among the groups gnomAD compares: Middle Eastern, 0.016%; no homozygotes.

Submissions (4):

Labcorp Genetics (formerly Invitae), Labcorp
Classification: Likely pathogenic for Gamma-aminobutyric acid transaminase deficiency. Last evaluated: 2024-02-07. Review status: criteria provided, single submitter. Criteria: Invitae Variant Classification Sherloc (09022015). Collection method: clinical testing. Allele origin: germline.
Comment: This sequence change replaces arginine, which is basic and polar, with glutamine, which is neutral and polar, at codon 92 of the ABAT protein (p.Arg92Gln). This variant is not present in population databases (gnomAD no frequency). This missense change has been observed in individual(s) with GABA transaminase deficiency (PMID: 20052547, 30617166). In at least one individual the data is consistent with being in trans (on the opposite chromosome) from a pathogenic variant. It has also been observed to segregate with disease in related individuals. ClinVar contains an entry for this variant (Variation ID: 162036). Advanced modeling of protein sequence and biophysical properties (such as structural, functional, and spatial information, amino acid conservation, physicochemical variation, residue mobility, and thermodynamic stability) performed at Invitae indicates that this missense variant is not expected to disrupt ABAT protein function with a negative predictive value of 80%. In summary, the currently available evidence indicates that the variant is pathogenic, but additional data are needed to prove that conclusively. Therefore, this variant has been classified as Likely Pathogenic.

Baylor Genetics
Classification: Pathogenic for Gamma-aminobutyric acid transaminase deficiency. Last evaluated: 2023-09-07. Review status: criteria provided, single submitter. Criteria: ACMG Guidelines, 2015. Collection method: clinical testing. Allele origin: unknown.

Bonnen Lab, Baylor College of Medicine
Classification: Pathogenic for Gamma-aminobutyric acid transaminase deficiency. Last evaluated: 2014-01-01. Review status: criteria provided, single submitter. Criteria: Submitter's publication. Collection method: research. Allele origin: germline. Inheritance: Autosomal recessive inheritance. Affected: yes. Observed: 1 variant allele, 1 compound heterozygote.
Comment: clinical and in vitro studies

OMIM
Classification: Pathogenic for GABA-TRANSAMINASE DEFICIENCY. Last evaluated: 2010-02-01. Review status: no assertion criteria provided. Collection method: literature only. Allele origin: germline. Not counted in ClinVar's aggregate classification.

Literature cited by the submitters: PubMed 20052547 (cited by 3 submitters); PubMed 30617166 (cited by Labcorp Genetics (formerly Invitae), Labcorp).